The following is an entry in ClinVar:

NM_000158.4(GBE1):c.314-1G>C

Gene: GBE1 (1,4-alpha-glucan branching enzyme 1; minus strand). Cytogenetic location: 3p12.2.
Variant type: single nucleotide variant.
Coding change: c.314-1G>C on transcript NM_000158.4 (MANE Select); the canonical splice acceptor site of the intron before coding-DNA position 314, G replaced by C.
Molecular consequence: splice acceptor variant.
Genome position (GRCh38, 1-based): chr3:81,670,954, C>G on the plus strand (G>C on the coding strand, the complement: GBE1 is on the minus strand). VCF-style: chr3-81670954-C-G. GRCh37 (hg19) VCF-style: chr3-81720105-C-G.
Identifiers: ClinVar variation 2940880 (VCV002940880.3), dbSNP rs2471864589, ClinGen allele CA353689069.

ClinVar aggregate classification (germline): Likely pathogenic (1 of 4 stars; one submission).

Conditions:
Glycogen storage disease, type IV (GSD4). Also called: AMYLOPECTINOSIS; ANDERSEN DISEASE; BRANCHER DEFICIENCY; CIRRHOSIS, FAMILIAL, WITH DEPOSITION OF ABNORMAL GLYCOGEN; GBE1 DEFICIENCY; GLYCOGEN BRANCHING ENZYME DEFICIENCY. Identifiers: Orphanet 367, MedGen C0017923, MONDO:0009292, OMIM 232500.
Glycogen storage disease IV, classic hepatic. Also called: GSD IV, CLASSIC HEPATIC. Identifiers: MedGen C1856301.

gnomAD v4.1: 3 of 1,487,690 alleles (0.0002%); highest among the groups gnomAD compares: Non-Finnish European, 0.00027%; no homozygotes.

Submission:

Labcorp Genetics (formerly Invitae), Labcorp
Classification: Likely pathogenic for Glycogen storage disease, type IV; Glycogen storage disease IV, classic hepatic. Last evaluated: 2023-02-11. Review status: criteria provided, single submitter. Criteria: Invitae Variant Classification Sherloc (09022015). Collection method: clinical testing. Allele origin: germline.
Comment: In summary, the currently available evidence indicates that the variant is pathogenic, but additional data are needed to prove that conclusively. Therefore, this variant has been classified as Likely Pathogenic. Algorithms developed to predict the effect of sequence changes on RNA splicing suggest that this variant may disrupt the consensus splice site. This sequence change affects an acceptor splice site in intron 2 of the GBE1 gene. It is expected to disrupt RNA splicing. Variants that disrupt the donor or acceptor splice site typically lead to a loss of protein function (PMID: 16199547), and loss-of-function variants in GBE1 are known to be pathogenic (PMID: 15452297, 20058079). This variant is not present in population databases (gnomAD no frequency). This variant has not been reported in the literature in individuals affected with GBE1-related conditions.

Literature cited by the submitters: PubMed 16199547; PubMed 15452297; PubMed 20058079.